The following is an entry in ClinVar:

ClinVar aggregate classification (germline): Conflicting classifications of pathogenicity. Review status: criteria provided, conflicting classifications (1 of 4 stars). 11 submissions from 11 submitters: Uncertain significance (7); Likely benign (3). 1 of the submissions does not count toward it. Last evaluated 2026-04-06.

Conditions:
LYST-related disorder. Also called: LYST-related condition.
Autoinflammatory syndrome. Identifiers: Orphanet 93665, MedGen C3890737, MONDO:0019751.
Inborn genetic diseases. Identifiers: MedGen C0950123, MeSH D030342.
Chédiak-Higashi syndrome (CHS). Also called: Chediak-Higashi Syndrome. Identifiers: Orphanet 167, MedGen C0007965, MONDO:0008963, OMIM 214500.

Allele frequency attached by ClinVar (database versions not stated): 1000 Genomes Project 30x 0.00016; ESP Exome Variant Server 0.00046; gnomAD 0.00049; TOPMed 0.00049.
gnomAD v4.1: 1,434 of 1,613,822 alleles (0.089%); highest among the groups gnomAD compares: Non-Finnish European, 0.11%; no homozygotes.

Submissions (11):

Women's Health and Genetics/Laboratory Corporation of America, LabCorp
Classification: Uncertain significance. Last evaluated: 2026-04-06. Review status: criteria provided, single submitter. Criteria: LabCorp Variant Classification Summary - May 2015. Collection method: clinical testing. Allele origin: germline.
Comment: Variant summary: LYST c.3083C>G (p.Ser1028Cys) results in a non-conservative amino acid change in the encoded protein sequence. Algorithms developed to predict the effect of missense changes on protein structure and function are either unavailable or do not agree on the potential impact of this missense change. The variant allele was found at a frequency of 0.00089 in 1613822 control chromosomes, predominantly at a frequency of 0.0011 within the Non-Finnish European subpopulation in the gnomAD database. This frequency is not significantly higher than estimated for disease-causing variants in LYST, allowing no conclusion about variant significance. c.3083C>G has been reported in the literature in at least one individual affected with juvenille idopathic arthritis (e.g. Meng_2021). These report(s) do not provide unequivocal conclusions about association of the variant with Chediak-Higashi Syndrome. To our knowledge, no experimental evidence demonstrating an impact on protein function has been reported. The following publication has been ascertained in the context of this evaluation (PMID: 33408077). ClinVar contains an entry for this variant (Variation ID: 296408). Based on the evidence outlined above, the variant was classified as VUS-possibly benign.

Mayo Clinic Laboratories, Mayo Clinic
Classification: Likely benign. Last evaluated: 2025-06-26. Review status: criteria provided, single submitter. Criteria: ACMG Guidelines, 2015. Collection method: clinical testing. Allele origin: germline. Observed: 6 variant alleles.
Comment: BS1, BP4_moderate

Ambry Genetics
Classification: Likely benign for Inborn genetic diseases. Last evaluated: 2025-06-13. Review status: criteria provided, single submitter. Criteria: Ambry Variant Classification Scheme 2023. Collection method: clinical testing. Allele origin: germline.

Blueprint Genetics
Classification: Likely benign. Last evaluated: 2024-11-07. Review status: criteria provided, single submitter. Criteria: ACMG Guidelines, 2015. Collection method: clinical testing. Allele origin: germline.

GeneDx
Classification: Uncertain significance. Last evaluated: 2023-01-24. Review status: criteria provided, single submitter. Criteria: GeneDx Variant Classification Process June 2021. Collection method: clinical testing. Allele origin: germline. Affected: yes.
Comment: Reported in patients with juvenile idiopathic arthritis, however segregation and detailed clinical information was not provided (Meng et al., 2021); In silico analysis supports that this missense variant does not alter protein structure/function; This variant is associated with the following publications: (PMID: 33408077)

Labcorp Genetics (formerly Invitae), Labcorp
Classification: Uncertain significance for Chédiak-Higashi syndrome. Last evaluated: 2022-10-25. Review status: criteria provided, single submitter. Criteria: Invitae Variant Classification Sherloc (09022015). Collection method: clinical testing. Allele origin: germline.
Comment: This sequence change replaces serine, which is neutral and polar, with cysteine, which is neutral and slightly polar, at codon 1028 of the LYST protein (p.Ser1028Cys). This variant is present in population databases (rs150636017, gnomAD 0.09%), and has an allele count higher than expected for a pathogenic variant. This variant has not been reported in the literature in individuals affected with LYST-related conditions. ClinVar contains an entry for this variant (Variation ID: 296408). Algorithms developed to predict the effect of missense changes on protein structure and function output the following: SIFT: "Tolerated"; PolyPhen-2: "Benign"; Align-GVGD: "Class C0". The cysteine amino acid residue is found in multiple mammalian species, which suggests that this missense change does not adversely affect protein function. In summary, the available evidence is currently insufficient to determine the role of this variant in disease. Therefore, it has been classified as a Variant of Uncertain Significance.

Fulgent Genetics
Classification: Uncertain significance for Chédiak-Higashi syndrome. Last evaluated: 2022-04-05. Review status: criteria provided, single submitter. Criteria: ACMG Guidelines, 2015. Collection method: clinical testing. Allele origin: unknown.

Genome Diagnostics Laboratory, The Hospital for Sick Children
Classification: Uncertain significance for Autoinflammatory syndrome. Last evaluated: 2020-01-01. Review status: criteria provided, single submitter. Criteria: ACMG Guidelines, 2015. Collection method: clinical testing. Allele origin: germline. Affected: yes.

Revvity Omics, Revvity
Classification: Uncertain significance for Chédiak-Higashi syndrome. Last evaluated: 2019-10-03. Review status: criteria provided, single submitter. Criteria: ACMG Guidelines, 2015. Collection method: clinical testing. Allele origin: germline.

Illumina Laboratory Services, Illumina
Classification: Uncertain significance for Chédiak-Higashi syndrome. Last evaluated: 2018-01-12. Review status: criteria provided, single submitter. Criteria: ICSL Variant Classification Criteria 13 December 2019. Collection method: clinical testing. Allele origin: germline.

PreventionGenetics, part of Exact Sciences
Classification: Uncertain significance for LYST-related condition. Last evaluated: 2024-07-29. Review status: no assertion criteria provided. Collection method: clinical testing. Allele origin: germline. Not counted in ClinVar's aggregate classification.
Comment: The LYST c.3083C>G variant is predicted to result in the amino acid substitution p.Ser1028Cys. This variant was reported in an individual with juvenile idiopathic arthritis (Table S5, Meng et al 2021. PubMed ID: 33408077). This variant is reported in 0.088% of alleles in individuals of European (Non-Finnish) descent in gnomAD, which may be too frequent to be a primary cause of disease. At this time, the clinical significance of this variant is uncertain due to the absence of conclusive functional and genetic evidence.

Literature cited by the submitters: PubMed 33408077 (cited by Women's Health and Genetics/Laboratory Corporation of America, LabCorp and Mayo Clinic Laboratories, Mayo Clinic); PubMed 36413997 (cited by Ambry Genetics).

NM_000081.4(LYST):c.3083C>G (p.Ser1028Cys)

Gene: LYST (lysosomal trafficking regulator; minus strand). Cytogenetic location: 1q42.3.
Variant type: single nucleotide variant.
Coding change: c.3083C>G on transcript NM_000081.4 (MANE Select); coding-DNA position 3083, C replaced by G.
Protein change: p.Ser1028Cys; replaces serine 1028 with cysteine.
Molecular consequence: missense variant.
Genome position (GRCh38, 1-based): chr1:235,806,053, G>C on the plus strand (C>G on the coding strand, the complement: LYST is on the minus strand). VCF-style: chr1-235806053-G-C. GRCh37 (hg19) VCF-style: chr1-235969353-G-C.
Other names: c.3083C>G, p.Ser1028Cys (NM_001301365.1); short protein forms S1028C.
Identifiers: ClinVar variation 296408 (VCV000296408.34), dbSNP rs150636017, ClinGen allele CA1467144.
Genomic context (GRCh38, chr1:235,806,053, plus strand): 5'-ATGGGGTCACTTTTTATAGCCAAAGATAATAAATCTTCCTTCATAGTTCTCTTAGGTTGA[G>C]AAATTCTGTTTAAATCCTGGTTTTCATTTACACTTGTATCTCCCTCCTTTTTTCCTTGCT-3'
Protein context (NP_000072.2, residues 1018-1038): VNENQDLNRI[Ser1028Cys]QPKRTMKEDL